The following is an entry in ClinVar:

NM_000051.4(ATM):c.3527del (p.Leu1176fs)

Gene: ATM (ATM serine/threonine kinase; plus strand). Cytogenetic location: 11q22.3.
Variant type: Deletion.
Coding change: c.3527del on transcript NM_000051.4 (MANE Select); coding-DNA position 3527, one base deleted (T; older notation c.3527delT).
Protein change: p.Leu1176fs; shifts the reading frame from leucine 1176.
Molecular consequence: frameshift variant.
Genome position (GRCh38, 1-based): chr11:108,281,119, T deleted. VCF-style (leftmost placement, unchanged base first): chr11-108281118-CT-C. GRCh37 (hg19) VCF-style: chr11-108151845-CT-C.
Other names: c.3527delT (NM_000051.3); c.3527del, p.Leu1176fs (NM_001351834.2); c.3527del (NM_000051.3); short protein forms L1176fs.
Identifiers: ClinVar variation 1071597 (VCV001071597.9), dbSNP rs2135669236, ClinGen allele CA2499220617.

ClinVar aggregate classification (germline): Pathogenic. Review status: criteria provided, multiple submitters, no conflicts (2 of 4 stars). 3 submissions from 3 submitters: Pathogenic (3). Last evaluated 2025-11-06.

Conditions:
Hereditary cancer-predisposing syndrome. Also called: Tumor predisposition; Neoplastic Syndromes, Hereditary; Hereditary neoplastic syndrome; Hereditary Cancer Syndrome. Identifiers: Orphanet 140162, MedGen C0027672, MeSH D009386, MONDO:0015356.
Ataxia-telangiectasia syndrome (AT). Also called: LOUIS-BAR SYNDROME; Ataxia-telangiectasia, complementation group D; AT, COMPLEMENTATION GROUP C; Cerebello-oculocutaneous telangiectasia; Immunodeficiency with ataxia telangiectasia; ATAXIA-TELANGIECTASIA, COMPLEMENTATION GROUP A. Identifiers: Orphanet 100, MedGen C0004135, MONDO:0008840, OMIM 208900.

Submissions (3):

Ambry Genetics
Classification: Pathogenic for Hereditary cancer-predisposing syndrome. Last evaluated: 2025-11-06. Review status: criteria provided, single submitter. Criteria: Ambry Variant Classification Scheme 2023. Collection method: clinical testing. Allele origin: germline.
Comment: The c.3527delT pathogenic mutation, located in coding exon 23 of the ATM gene, results from a deletion of one nucleotide at nucleotide position 3527, causing a translational frameshift with a predicted alternate stop codon (p.L1176Rfs*5). This variant is considered to be rare based on population cohorts in the Genome Aggregation Database (gnomAD). This alteration is expected to result in loss of function by premature protein truncation or nonsense-mediated mRNA decay. As such, this alteration is interpreted as a disease-causing mutation.

Labcorp Genetics (formerly Invitae), Labcorp
Classification: Pathogenic for Ataxia-telangiectasia syndrome. Last evaluated: 2025-03-29. Review status: criteria provided, single submitter. Criteria: Invitae Variant Classification Sherloc (09022015). Collection method: clinical testing. Allele origin: germline.
Comment: This sequence change creates a premature translational stop signal (p.Leu1176Argfs*5) in the ATM gene. It is expected to result in an absent or disrupted protein product. Loss-of-function variants in ATM are known to be pathogenic (PMID: 23807571, 25614872). This variant is not present in population databases (gnomAD no frequency). This variant has not been reported in the literature in individuals affected with ATM-related conditions. ClinVar contains an entry for this variant (Variation ID: 1071597). Algorithms developed to predict the effect of sequence changes on RNA splicing suggest that this variant may disrupt the consensus splice site. For these reasons, this variant has been classified as Pathogenic.

GeneDx
Classification: Pathogenic. Last evaluated: 2024-09-11. Review status: criteria provided, single submitter. Criteria: GeneDx Variant Classification Process June 2021. Collection method: clinical testing. Allele origin: germline. Affected: yes.
Comment: Frameshift variant predicted to result in protein truncation or nonsense mediated decay in a gene for which loss of function is a known mechanism of disease; Not observed at significant frequency in large population cohorts (gnomAD); Truncating variants in this gene are considered pathogenic by a well-established clinical consortium and/or database; Has not been previously published as pathogenic or benign to our knowledge

Literature cited by the submitters: PubMed 23807571 (cited by Labcorp Genetics (formerly Invitae), Labcorp); PubMed 25614872 (cited by Labcorp Genetics (formerly Invitae), Labcorp).